The following is an entry in ClinVar:

ClinVar aggregate classification (germline): Uncertain significance (1 of 4 stars; one submission).

Conditions:
Left ventricular noncompaction 1 (LVNC1). Also called: LEFT VENTRICULAR NONCOMPACTION 1 WITH OR WITHOUT CONGENITAL HEART DEFECTS. Identifiers: Orphanet 54260, MedGen C1858725, MONDO:0011403, OMIM 604169.

gnomAD v4.1: 6 of 1,614,120 alleles (0.00037%); highest among the groups gnomAD compares: East Asian, 0.0022%; no homozygotes.

Submission:

Labcorp Genetics (formerly Invitae), Labcorp
Classification: Uncertain significance for Left ventricular noncompaction 1. Last evaluated: 2025-10-18. Review status: criteria provided, single submitter. Criteria: Invitae Variant Classification Sherloc (09022015). Collection method: clinical testing. Allele origin: germline.
Comment: This sequence change replaces tyrosine, which is neutral and polar, with cysteine, which is neutral and slightly polar, at codon 710 of the DTNA protein (p.Tyr710Cys). The frequency data for this variant in the population databases is considered unreliable, as metrics indicate poor data quality at this position in the gnomAD database. This variant has not been reported in the literature in individuals affected with DTNA-related conditions. An algorithm developed to predict the effect of missense changes on protein structure and function (PolyPhen-2) suggests that this variant is likely to be disruptive. In summary, the available evidence is currently insufficient to determine the role of this variant in disease. Therefore, it has been classified as a Variant of Uncertain Significance.

NM_001386795.1(DTNA):c.2210A>G (p.Tyr737Cys)

Gene: DTNA (dystrobrevin alpha; plus strand). Cytogenetic location: 18q12.1.
Variant type: single nucleotide variant.
Coding change: c.2210A>G on transcript NM_001386795.1 (MANE Select); coding-DNA position 2210, A replaced by G.
Protein change: p.Tyr737Cys; replaces tyrosine 737 with cysteine.
Molecular consequence: missense variant.
Genome position (GRCh38, 1-based): chr18:34,882,116, A>G. VCF-style: chr18-34882116-A-G. GRCh37 (hg19) VCF-style: chr18-32462080-A-G.
Other names: c.1949A>G, p.Tyr650Cys (NM_001386766.1, NM_001386767.1, NM_001198938.2 and 5 more transcripts); c.1946A>G, p.Tyr649Cys (NM_001386768.1, NM_001386769.1); c.2210A>G, p.Tyr737Cys (NM_001386788.1); c.2129A>G, p.Tyr710Cys (NM_001390.5); c.1958A>G, p.Tyr653Cys (NM_032975.4, NM_001386761.1); c.1073A>G, p.Tyr358Cys (NM_032980.4); c.1970A>G, p.Tyr657Cys (NM_001198939.2); c.1256A>G, p.Tyr419Cys (NM_001198942.1); and 5 more; short protein forms Y649C, Y652C, Y657C, Y710C, Y362C, Y419C, Y650C, Y653C.
Identifiers: ClinVar variation 4781739 (VCV004781739.1).